The following is an entry in ClinVar:

ClinVar aggregate classification (germline): Uncertain significance. Review status: criteria provided, multiple submitters, no conflicts (2 of 4 stars). 2 submissions from 2 submitters: Uncertain significance (2). Last evaluated 2024-06-09.

Conditions:
Cardiovascular phenotype. Identifiers: MedGen CN230736.

Submissions (2):

Labcorp Genetics (formerly Invitae), Labcorp
Classification: Uncertain significance. Last evaluated: 2024-06-09. Review status: criteria provided, single submitter. Criteria: Invitae Variant Classification Sherloc (09022015). Collection method: clinical testing. Allele origin: germline.
Comment: This sequence change replaces tryptophan, which is neutral and slightly polar, with arginine, which is basic and polar, at codon 184 of the ALPK3 protein (p.Trp184Arg). This variant is not present in population databases (gnomAD no frequency). This variant has not been reported in the literature in individuals affected with ALPK3-related conditions. An algorithm developed to predict the effect of missense changes on protein structure and function (PolyPhen-2) suggests that this variant is likely to be tolerated. In summary, the available evidence is currently insufficient to determine the role of this variant in disease. Therefore, it has been classified as a Variant of Uncertain Significance.

Ambry Genetics
Classification: Uncertain significance for Cardiovascular phenotype. Last evaluated: 2024-05-30. Review status: criteria provided, single submitter. Criteria: Ambry Variant Classification Scheme 2023. Collection method: clinical testing. Allele origin: germline.
Comment: The p.W184R variant (also known as c.550T>C), located in coding exon 1 of the ALPK3 gene, results from a T to C substitution at nucleotide position 550. The tryptophan at codon 184 is replaced by arginine, an amino acid with dissimilar properties. This amino acid position is conserved. In addition, this alteration is predicted to be tolerated by in silico analysis. Based on the available evidence, the clinical significance of this variant remains unclear.

NM_020778.5(ALPK3):c.-57T>C

Gene: ALPK3 (alpha kinase 3; plus strand). Cytogenetic location: 15q25.3.
Variant type: single nucleotide variant.
Coding change: c.-57T>C on transcript NM_020778.5 (MANE Select); 57 bases upstream of the start codon, T replaced by C.
Molecular consequence: 5 prime UTR variant.
Genome position (GRCh38, 1-based): chr15:84,817,396, T>C. VCF-style: chr15-84817396-T-C. GRCh37 (hg19) VCF-style: chr15-85360627-T-C.
Identifiers: ClinVar variation 3291726 (VCV003291726.3).